The following is an entry in ClinVar:

ClinVar aggregate classification (germline): Uncertain significance (1 of 4 stars; one submission).

Allele frequency attached by ClinVar (database versions not stated): gnomAD exomes below 0.00001; TOPMed below 0.00001; gnomAD 0.00001.
gnomAD v4.1: 2 of 1,613,516 alleles (0.00012%); highest among the groups gnomAD compares: South Asian, 0.0011%; no homozygotes.

Submission:

Labcorp Genetics (formerly Invitae), Labcorp
Classification: Uncertain significance. Last evaluated: 2022-02-05. Review status: criteria provided, single submitter. Criteria: Invitae Variant Classification Sherloc (09022015). Collection method: clinical testing. Allele origin: germline.
Comment: Algorithms developed to predict the effect of missense changes on protein structure and function (SIFT, PolyPhen-2, Align-GVGD) all suggest that this variant is likely to be tolerated. In summary, the available evidence is currently insufficient to determine the role of this variant in disease. Therefore, it has been classified as a Variant of Uncertain Significance. This variant has not been reported in the literature in individuals affected with NEDD4L-related conditions. This variant is present in population databases (no rsID available, gnomAD 0.003%). This sequence change replaces methionine, which is neutral and non-polar, with leucine, which is neutral and non-polar, at codon 943 of the NEDD4L protein (p.Met943Leu).

NM_001144967.3(NEDD4L):c.2887A>T (p.Met963Leu)

Gene: NEDD4L (NEDD4 like E3 ubiquitin protein ligase; plus strand). Cytogenetic location: 18q21.31.
Variant type: single nucleotide variant.
Coding change: c.2887A>T on transcript NM_001144967.3 (MANE Select); coding-DNA position 2887, A replaced by T.
Protein change: p.Met963Leu; replaces methionine 963 with leucine.
Molecular consequence: missense variant.
Genome position (GRCh38, 1-based): chr18:58,396,228, A>T. VCF-style: chr18-58396228-A-T. GRCh37 (hg19) VCF-style: chr18-56063460-A-T.
Other names: c.2524A>T, p.Met842Leu (NM_001144964.1, NM_001144965.2, NM_001144966.3); c.2863A>T, p.Met955Leu (NM_001144968.2); c.2803A>T, p.Met935Leu (NM_001144969.2); c.2464A>T, p.Met822Leu (NM_001144970.3, NM_001144971.2); c.2695A>T, p.Met899Leu (NM_001243960.2); c.2827A>T, p.Met943Leu (NM_015277.6); short protein forms M899L, M963L, M943L, M822L, M842L, M935L, M955L.
Identifiers: ClinVar variation 1376517 (VCV001376517.8), dbSNP rs1209912013, ClinGen allele CA402564255.